The following is an entry in ClinVar:

ClinVar aggregate classification (germline): Likely benign. Review status: criteria provided, multiple submitters, no conflicts (2 of 4 stars). 5 submissions from 5 submitters: Likely benign (5). Last evaluated 2026-06-09.

Conditions:
Ehlers-Danlos syndrome, type 4 (EDSVASC). Also called: Ehlers-Danlos Syndrome Type IV; Ehlers-Danlos syndrome vascular type; Ehlers Danlos syndrome, ecchymotic type; Ehlers Danlos syndrome, arterial type; Ehlers Danlos syndrome, Sack-Barabas type. Identifiers: Orphanet 286, MedGen C0268338, MONDO:0017314, OMIM 130050.
Familial thoracic aortic aneurysm and aortic dissection (TAAD). Also called: Thoracic aortic aneurysms and dissections. Identifiers: Orphanet 91387, MedGen C4707243, MONDO:0019625.

Allele frequency attached by ClinVar (database versions not stated): gnomAD exomes below 0.00001 and 0.00001; ExAC 0.00002; TOPMed 0.00002.
gnomAD v4.1: 7 of 1,613,296 alleles (0.00043%); highest among the groups gnomAD compares: African/African-American, 0.0013%; no homozygotes.

Submissions (5):

Women's Health and Genetics/Laboratory Corporation of America, LabCorp
Classification: Likely benign. Last evaluated: 2026-06-09. Review status: criteria provided, single submitter. Criteria: LabCorp Variant Classification Summary - May 2015. Collection method: clinical testing. Allele origin: germline.
Comment: Variant summary: COL3A1 c.1762-11T>G alters a nucleotide located at a position not widely known to affect splicing. Consensus agreement among computation tools predict no significant impact on normal splicing. However, these predictions have yet to be confirmed by functional studies. The variant allele was found at a frequency of 4e-06 in 251344 control chromosomes. The available data on variant occurrences in the general population are insufficient to allow any conclusion about variant significance. To our knowledge, no occurrence of c.1762-11T>G in individuals affected with COL3A1-related conditions and no experimental evidence demonstrating its impact on protein function have been reported. ClinVar contains an entry for this variant (Variation ID: 333056). Based on the evidence outlined above, the variant was classified as likely benign.

Labcorp Genetics (formerly Invitae), Labcorp
Classification: Likely benign for Ehlers-Danlos syndrome, type 4. Last evaluated: 2025-10-17. Review status: criteria provided, single submitter. Criteria: Invitae Variant Classification Sherloc (09022015). Collection method: clinical testing. Allele origin: germline.

All of Us Research Program, National Institutes of Health
Classification: Likely benign for Ehlers-Danlos syndrome, type 4. Last evaluated: 2024-01-03. Review status: criteria provided, single submitter. Criteria: ACMG Guidelines, 2015. Collection method: clinical testing. Allele origin: germline. Inheritance: Autosomal dominant inheritance. Observed: 2 variant alleles, 2 heterozygotes.
Comment: This study involves interpretation of variants in research participants for the purpose of population health screening. Participant phenotype was not available at the time of variant classification. Additional details can be found in publication PMID: 35346344, PMCID: PMC8962531

Color Diagnostics, LLC DBA Color Health
Classification: Likely benign for Familial thoracic aortic aneurysm and aortic dissection. Last evaluated: 2018-09-29. Review status: criteria provided, single submitter. Criteria: ACMG Guidelines, 2015. Collection method: clinical testing. Allele origin: germline.

Illumina Laboratory Services, Illumina
Classification: Likely benign for Ehlers-Danlos syndrome, type 4. Last evaluated: 2018-01-13. Review status: criteria provided, single submitter. Criteria: ICSL Variant Classification Criteria 13 December 2019. Collection method: clinical testing. Allele origin: germline.
Comment: This variant was observed in the ICSL laboratory as part of a predisposition screen in an ostensibly healthy population. It had not been previously curated by ICSL or reported in the Human Gene Mutation Database (HGMD: prior to June 1st, 2018), and was therefore a candidate for classification through an automated scoring system. Utilizing variant allele frequency, disease prevalence and penetrance estimates, and inheritance mode, an automated score was calculated to assess if this variant is too frequent to cause the disease. Based on the score and internal cut-off values, a variant classified as likely benign is not then subjected to further curation. The score for this variant resulted in a classification of likely benign for this disease.

NM_000090.4(COL3A1):c.1762-11T>G

Gene: COL3A1 (collagen type III alpha 1 chain; plus strand). Cytogenetic location: 2q32.2.
Variant type: single nucleotide variant.
Coding change: c.1762-11T>G on transcript NM_000090.4 (MANE Select); 11 bases into the intron before coding-DNA position 1762, T replaced by G.
Molecular consequence: intron variant.
Genome position (GRCh38, 1-based): chr2:188,997,154, T>G. VCF-style: chr2-188997154-T-G. GRCh37 (hg19) VCF-style: chr2-189861880-T-G.
Identifiers: ClinVar variation 333056 (VCV000333056.16), dbSNP rs761637298, ClinGen allele CA074628.